The following is an entry in ClinVar:

NM_152383.5(DIS3L2):c.973C>T (p.Gln325Ter)

Gene: DIS3L2 (DIS3 like 3'-5' exoribonuclease 2; plus strand). Cytogenetic location: 2q37.1.
Variant type: single nucleotide variant.
Coding change: c.973C>T on transcript NM_152383.5 (MANE Select); coding-DNA position 973, C replaced by T.
Protein change: p.Gln325Ter; replaces glutamine 325 with a stop codon.
Molecular consequence: nonsense. On other transcripts: non-coding transcript variant (2).
Genome position (GRCh38, 1-based): chr2:232,163,481, C>T. VCF-style: chr2-232163481-C-T. GRCh37 (hg19) VCF-style: chr2-233028191-C-T.
Other names: c.973C>T, p.Gln325Ter (NM_001257281.2); short protein forms Q325*.
Identifiers: ClinVar variation 1069914 (VCV001069914.7), dbSNP rs1209057640, ClinGen allele CA351154200.
Genomic context (GRCh38, chr2:232,163,481, plus strand): 5'-TTGCTAACCCAGTTATTCCGTTTCTGTTCTATCCATAGGCAGCTGGCTAAGAGTCTTGGG[C>T]AGGCTGGTGAAATTGAGCCTGAAACAGAAGGAATACTAACAGAGTATGGCGTGGATTTCT-3'

ClinVar aggregate classification (germline): Pathogenic (1 of 4 stars; one submission).

Conditions:
Perlman syndrome (PRLMNS). Identifiers: Orphanet 2849, MedGen C0796113, MONDO:0009965, OMIM 267000.

Submission:

Labcorp Genetics (formerly Invitae), Labcorp
Classification: Pathogenic for Perlman syndrome. Last evaluated: 2020-02-04. Review status: criteria provided, single submitter. Criteria: Invitae Variant Classification Sherloc (09022015). Collection method: clinical testing. Allele origin: germline.
Comment: For these reasons, this variant has been classified as Pathogenic. Loss-of-function variants in DIS3L2 are known to be pathogenic (PMID: 22306653). Algorithms developed to predict the effect of sequence changes on RNA splicing suggest that this variant may create or strengthen a splice site, but this prediction has not been confirmed by published transcriptional studies. This variant has not been reported in the literature in individuals with DIS3L2-related conditions. This variant is not present in population databases (ExAC no frequency). This sequence change creates a premature translational stop signal (p.Gln325*) in the DIS3L2 gene. It is expected to result in an absent or disrupted protein product.

Literature cited by the submitters: PubMed 22306653.